The following is an entry in ClinVar:

NM_001144967.3(NEDD4L):c.718A>G (p.Ile240Val)

Gene: NEDD4L (NEDD4 like E3 ubiquitin protein ligase; plus strand). Cytogenetic location: 18q21.31.
Variant type: single nucleotide variant.
Coding change: c.718A>G on transcript NM_001144967.3 (MANE Select); coding-DNA position 718, A replaced by G.
Protein change: p.Ile240Val; replaces isoleucine 240 with valine.
Molecular consequence: missense variant.
Genome position (GRCh38, 1-based): chr18:58,329,032, A>G. VCF-style: chr18-58329032-A-G. GRCh37 (hg19) VCF-style: chr18-55996264-A-G.
Other names: c.355A>G, p.Ile119Val (NM_001144964.1, NM_001144965.2, NM_001144966.3 and 2 more transcripts); c.694A>G, p.Ile232Val (NM_001144968.2, NM_001144969.2); c.718A>G, p.Ile240Val (NM_001243960.2, NM_015277.6); short protein forms I119V, I240V, I232V.
Identifiers: ClinVar variation 1036353 (VCV001036353.7), dbSNP rs1260961412, ClinGen allele CA402554433.

ClinVar aggregate classification (germline): Uncertain significance (1 of 4 stars; one submission).

Allele frequency attached by ClinVar (database versions not stated): gnomAD exomes 0.00001.
gnomAD v4.1: 3 of 1,613,966 alleles (0.00019%); highest among the groups gnomAD compares: Admixed American, 0.0017%; no homozygotes.

Submission:

Labcorp Genetics (formerly Invitae), Labcorp
Classification: Uncertain significance. Last evaluated: 2017-10-04. Review status: criteria provided, single submitter. Criteria: Invitae Variant Classification Sherloc (09022015). Collection method: clinical testing. Allele origin: germline.
Comment: In summary, the available evidence is currently insufficient to determine the role of this variant in disease. Therefore, it has been classified as a Variant of Uncertain Significance. Algorithms developed to predict the effect of sequence changes on RNA splicing suggest that this variant may create or strengthen a splice site, but this prediction has not been confirmed by published transcriptional studies. Algorithms developed to predict the effect of missense changes on protein structure and function (SIFT, PolyPhen-2, Align-GVGD) all suggest that this variant is likely to be tolerated, but these predictions have not been confirmed by published functional studies and their clinical significance is uncertain. This variant has not been reported in the literature in individuals with NEDD4L-related disease. This variant is not present in population databases (ExAC no frequency). This sequence change replaces isoleucine with valine at codon 240 of the NEDD4L protein (p.Ile240Val). The isoleucine residue is highly conserved and there is a small physicochemical difference between isoleucine and valine.